The following is an entry in ClinVar:

ClinVar aggregate classification (germline): Uncertain significance (1 of 4 stars; one submission).

Submission:

GeneDx
Classification: Uncertain significance. Last evaluated: 2020-01-20. Review status: criteria provided, single submitter. Criteria: GeneDx Variant Classification Process June 2021. Collection method: clinical testing. Allele origin: germline. Affected: yes.
Comment: Has not been previously published as pathogenic or benign to our knowledge; Not observed in large population cohorts (Lek et al., 2016); In-silico analysis, which includes splice predictors and evolutionary conservation, is inconclusive as to whether the variant alters gene splicing; in the absence of RNA/functional studies, the actual effect of this sequence change is unknown

NM_000138.5(FBN1):c.6998-12T>A

Gene: FBN1 (fibrillin 1; minus strand). Cytogenetic location: 15q21.1.
Variant type: single nucleotide variant.
Coding change: c.6998-12T>A on transcript NM_000138.5 (MANE Select); 12 bases into the intron before coding-DNA position 6998, T replaced by A.
Molecular consequence: intron variant.
Genome position (GRCh38, 1-based): chr15:48,427,785, A>T on the plus strand (T>A on the coding strand, the complement: FBN1 is on the minus strand). VCF-style: chr15-48427785-A-T. GRCh37 (hg19) VCF-style: chr15-48719982-A-T.
Identifiers: ClinVar variation 1272227 (VCV001272227.1), dbSNP rs2141229182, ClinGen allele CA2499222967.